The following is an entry in ClinVar:

NM_004329.3(BMPR1A):c.705G>T (p.Gln235His)

Gene: BMPR1A (bone morphogenetic protein receptor type 1A; plus strand). Cytogenetic location: 10q23.2.
Variant type: single nucleotide variant.
Coding change: c.705G>T on transcript NM_004329.3 (MANE Select); coding-DNA position 705, G replaced by T.
Protein change: p.Gln235His; replaces glutamine 235 with histidine.
Molecular consequence: missense variant.
Genome position (GRCh38, 1-based): chr10:86,917,163, G>T. VCF-style: chr10-86917163-G-T. GRCh37 (hg19) VCF-style: chr10-88676920-G-T.
Other names: short protein forms Q235H.
Identifiers: ClinVar variation 928098 (VCV000928098.13), dbSNP rs780907902, ClinGen allele CA377457123.

ClinVar aggregate classification (germline): Uncertain significance. Review status: criteria provided, multiple submitters, no conflicts (2 of 4 stars). 3 submissions from 3 submitters: Uncertain significance (3). Last evaluated 2026-03-15.

Conditions:
Hereditary cancer-predisposing syndrome. Also called: Hereditary Cancer Syndrome; Neoplastic Syndromes, Hereditary; Tumor predisposition; Hereditary neoplastic syndrome. Identifiers: Orphanet 140162, MedGen C0027672, MeSH D009386, MONDO:0015356.
Juvenile polyposis syndrome (JPS). Identifiers: Orphanet 2929, MedGen C0345893, MONDO:0017380, OMIM 174900.

Submissions (3):

Ambry Genetics
Classification: Uncertain significance for Hereditary cancer-predisposing syndrome. Last evaluated: 2026-03-15. Review status: criteria provided, single submitter. Criteria: Ambry Variant Classification Scheme 2023. Collection method: clinical testing. Allele origin: germline.
Comment: The p.Q235H variant (also known as c.705G>T), located in coding exon 7 of the BMPR1A gene, results from a G to T substitution at nucleotide position 705. The glutamine at codon 235 is replaced by histidine, an amino acid with highly similar properties. This amino acid position is conserved. In addition, the in silico prediction for this alteration is inconclusive. Based on the available evidence, the clinical significance of this variant remains unclear.

Color Diagnostics, LLC DBA Color Health
Classification: Uncertain significance for Hereditary cancer-predisposing syndrome. Last evaluated: 2024-03-06. Review status: criteria provided, single submitter. Criteria: ACMG Guidelines, 2015. Collection method: clinical testing. Allele origin: germline.
Comment: This missense variant replaces glutamine with histidine at codon 235 of the BMPR1A protein. Computational prediction tool suggests that this variant may not impact protein structure and function (internally defined REVEL score threshold <=0.5, PMID: 27666373). Splice site prediction tools suggest that this variant may not impact RNA splicing. To our knowledge, functional studies have not been performed for this variant. This variant has not been reported in individuals affected with hereditary cancer in the literature. This variant has not been identified in the general population by the Genome Aggregation Database (gnomAD). The available evidence is insufficient to determine the role of this variant in disease conclusively. Therefore, this variant is classified as a Variant of Uncertain Significance.

Labcorp Genetics (formerly Invitae), Labcorp
Classification: Uncertain significance for Juvenile polyposis syndrome. Last evaluated: 2023-04-28. Review status: criteria provided, single submitter. Criteria: Invitae Variant Classification Sherloc (09022015). Collection method: clinical testing. Allele origin: germline.
Comment: In summary, the available evidence is currently insufficient to determine the role of this variant in disease. Therefore, it has been classified as a Variant of Uncertain Significance. Advanced modeling of protein sequence and biophysical properties (such as structural, functional, and spatial information, amino acid conservation, physicochemical variation, residue mobility, and thermodynamic stability) performed at Invitae indicates that this missense variant is not expected to disrupt BMPR1A protein function. ClinVar contains an entry for this variant (Variation ID: 928098). This variant has not been reported in the literature in individuals affected with BMPR1A-related conditions. This variant is not present in population databases (gnomAD no frequency). This sequence change replaces glutamine, which is neutral and polar, with histidine, which is basic and polar, at codon 235 of the BMPR1A protein (p.Gln235His).